The following is an entry in ClinVar:

ClinVar aggregate classification (germline): Uncertain significance (1 of 4 stars; one submission).

Conditions:
GATA4-related disorder. Also called: GATA4-related condition. Identifiers: MedGen CN860321.

Submission:

PreventionGenetics, part of Exact Sciences
Classification: Uncertain significance for GATA4-related condition. Last evaluated: 2026-09-09. Review status: criteria provided, single submitter. Criteria: ACMG Guidelines, 2015. Collection method: clinical testing. Allele origin: germline.
Comment: The GATA4 c.1048T>C variant is predicted to result in the amino acid substitution p.Ser350Pro. To our knowledge, this variant has not been reported in the literature or in a large population database (gnomAD), indicating this variant is rare. At this time, the clinical significance of this variant is uncertain due to the absence of conclusive functional and genetic evidence.

NM_001308093.3(GATA4):c.1051T>C (p.Ser351Pro)

Gene: GATA4 (GATA binding protein 4). Cytogenetic location: 8p23.1.
Variant type: single nucleotide variant.
Coding change: c.1051T>C on transcript NM_001308093.3 (MANE Select); coding-DNA position 1051, T replaced by C.
Protein change: p.Ser351Pro; replaces serine 351 with proline.
Molecular consequence: missense variant.
Genome position (GRCh38, 1-based): chr8:11,756,985, T>C. VCF-style: chr8-11756985-T-C. GRCh37 (hg19) VCF-style: chr8-11614494-T-C.
Other names: c.430T>C, p.Ser144Pro (NM_001308094.2, NM_001374273.1); c.304T>C, p.Ser102Pro (NM_001374274.1); c.1048T>C, p.Ser350Pro (NM_002052.5); short protein forms S351P, S102P, S144P, S350P.
Identifiers: ClinVar variation 4994596 (VCV004994596.1).